The following is an entry in ClinVar:

ClinVar aggregate classification (germline): Pathogenic. Review status: criteria provided, multiple submitters, no conflicts (2 of 4 stars). 2 submissions from 2 submitters: Pathogenic (2). Last evaluated 2025-01-10.

Conditions:
Peutz-Jeghers syndrome (PJS). Also called: Peutz-Jeghers polyposis; Periorificial lentiginosis syndrome; POLYPOSIS, HAMARTOMATOUS INTESTINAL; POLYPS-AND-SPOTS SYNDROME. Identifiers: Orphanet 2869, MedGen C0031269, MeSH D010580, MONDO:0008280, OMIM 175200.

Submissions (2):

Department of Clinical Genetics, Copenhagen University Hospital, Rigshospitalet
Classification: Pathogenic for Peutz-Jeghers syndrome. Last evaluated: 2025-01-10. Review status: criteria provided, single submitter. Criteria: ACMG Guidelines, 2015. Collection method: clinical testing. Allele origin: germline. Affected: yes.
Comment: The following ACMG criteria was used: PVS1; PM2_SUP; PS4_SUP

Molecular Diagnostics Laboratory, M Health Fairview: University of Minnesota
Classification: Pathogenic for Peutz-Jeghers syndrome. Last evaluated: 2024-07-30. Review status: criteria provided, single submitter. Criteria: ACMG Guidelines, 2015. Collection method: clinical testing. Allele origin: germline. Affected: yes.

Literature cited by the submitters: PubMed 37017260 (cited by Department of Clinical Genetics, Copenhagen University Hospital, Rigshospitalet).

NM_000455.5(STK11):c.96del (p.Glu33fs)

Gene: STK11 (serine/threonine kinase 11; plus strand). Cytogenetic location: 19p13.3.
Variant type: Deletion.
Coding change: c.96del on transcript NM_000455.5 (MANE Select); coding-DNA position 96, one base deleted (C; older notation c.96delC).
Protein change: p.Glu33fs; shifts the reading frame from glutamic acid 33.
Molecular consequence: frameshift variant. On other transcripts: non-coding transcript variant (1).
Genome position (GRCh38, 1-based): chr19:1,207,009, C deleted; the last of 2 consecutive C bases (chr19:1,207,008-1,207,009); deleting either gives the same sequence. VCF-style (leftmost placement, unchanged base first): chr19-1207007-AC-A. GRCh37 (hg19) VCF-style: chr19-1207006-AC-A.
Other names: c.96del, p.Glu33fs (NM_001407255.1); short protein forms E33fs.
Identifiers: ClinVar variation 3600339 (VCV003600339.2).
Genomic context (GRCh38, chr19:1,207,007, plus strand): 5'-TTCACGGAGGGCGAGCTGATGTCGGTGGGTATGGACACGTTCATCCACCGCATCGACTCC[AC>A]CGAGGTCATCTACCAGCCGCGCCGCAAGCGGGCCAAGCTCATCGGCAAGTACCTGATGGG-3'